The following is an entry in ClinVar:

NM_001365951.3(KIF1B):c.3575A>G (p.Glu1192Gly)

Gene: KIF1B (kinesin family member 1B; plus strand). Cytogenetic location: 1p36.22.
Variant type: single nucleotide variant.
Coding change: c.3575A>G on transcript NM_001365951.3 (MANE Select); coding-DNA position 3575, A replaced by G.
Protein change: p.Glu1192Gly; replaces glutamic acid 1192 with glycine.
Molecular consequence: missense variant.
Genome position (GRCh38, 1-based): chr1:10,342,111, A>G. VCF-style: chr1-10342111-A-G. GRCh37 (hg19) VCF-style: chr1-10402169-A-G.
Other names: c.3575A>G, p.Glu1192Gly (NM_001365952.1); c.3437A>G, p.Glu1146Gly (NM_015074.3); short protein forms E1192G, E1146G.
Identifiers: ClinVar variation 2448757 (VCV002448757.2), dbSNP rs2521752318, ClinGen allele CA338341763.
Genomic context (GRCh38, chr1:10,342,111, plus strand): 5'-TTGCAGTGGAGATCACTGAATCATTTGTGGATTACATCAAAACCAAGCCTATTGTATTTG[A>G]AGTCTTTGGGCATTATCAGCAGCACCCACTTCATCTGCAAGGACAGGAGCTTAACAGGTT-3'
Protein context (NP_001352880.1, residues 1182-1202): DYIKTKPIVF[Glu1192Gly]VFGHYQQHPL

ClinVar aggregate classification (germline): Uncertain significance (1 of 4 stars; one submission).

Submission:

Ambry Genetics
Classification: Uncertain significance. Last evaluated: 2023-01-21. Review status: criteria provided, single submitter. Criteria: Ambry Variant Classification Scheme 2023. Collection method: clinical testing. Allele origin: germline.
Comment: The p.E1146G variant (also known as c.3437A>G), located in coding exon 30 of the KIF1B gene, results from an A to G substitution at nucleotide position 3437. The glutamic acid at codon 1146 is replaced by glycine, an amino acid with similar properties. This amino acid position is conserved. In addition, this alteration is predicted to be deleterious by in silico analysis. Since supporting evidence is limited at this time, the clinical significance of this alteration remains unclear.